The following is an entry in ClinVar:

ClinVar aggregate classification (germline): Uncertain significance. Review status: criteria provided, multiple submitters, no conflicts (2 of 4 stars). 5 submissions from 5 submitters: Uncertain significance (3). 2 of the submissions do not count toward it. Last evaluated 2025-10-19.

Conditions:
RIMS1-related disorder. Also called: RIMS1-related condition.

Allele frequency attached by ClinVar (database versions not stated): ESP Exome Variant Server 0.00008; 1000 Genomes Project 30x 0.00062; 1000 Genomes Project 0.00080.
gnomAD v4.1: 90 of 1,583,686 alleles (0.0057%); highest among the groups gnomAD compares: African/African-American, 0.085%; no homozygotes.

Submissions (5):

Labcorp Genetics (formerly Invitae), Labcorp
Classification: Uncertain significance. Last evaluated: 2025-10-19. Review status: criteria provided, single submitter. Criteria: Invitae Variant Classification Sherloc (09022015). Collection method: clinical testing. Allele origin: germline.
Comment: This sequence change replaces serine, which is neutral and polar, with phenylalanine, which is neutral and non-polar, at codon 1320 of the RIMS1 protein (p.Ser1320Phe). This variant is present in population databases (rs140943787, gnomAD 0.07%), and has an allele count higher than expected for a pathogenic variant. This variant has not been reported in the literature in individuals affected with RIMS1-related conditions. ClinVar contains an entry for this variant (Variation ID: 1049942). An algorithm developed to predict the effect of missense changes on protein structure and function (PolyPhen-2) suggests that this variant is likely to be disruptive. In summary, the available evidence is currently insufficient to determine the role of this variant in disease. Therefore, it has been classified as a Variant of Uncertain Significance.

Ambry Genetics
Classification: Uncertain significance. Last evaluated: 2025-09-11. Review status: criteria provided, single submitter. Criteria: Ambry Variant Classification Scheme 2023. Collection method: clinical testing. Allele origin: germline.

Blueprint Genetics
Classification: Uncertain significance. Last evaluated: 2024-08-06. Review status: criteria provided, single submitter. Criteria: ACMG Guidelines, 2015. Collection method: clinical testing. Allele origin: germline.

PreventionGenetics, part of Exact Sciences
Classification: Likely benign for RIMS1-related condition. Last evaluated: 2022-03-02. Review status: no assertion criteria provided. Collection method: clinical testing. Allele origin: germline. Not counted in ClinVar's aggregate classification.
Comment: This variant is classified as likely benign based on ACMG/AMP sequence variant interpretation guidelines (Richards et al. 2015 PMID: 25741868, with internal and published modifications).

Department of Pathology and Laboratory Medicine, Sinai Health System
Classification: Uncertain significance. Review status: no assertion criteria provided. Collection method: clinical testing. Allele origin: unknown. Affected: yes. Study: The Canadian Open Genetics Repository (COGR). Not counted in ClinVar's aggregate classification.
Comment: The RIMS1 p.S1320F variant was not identified in the literature nor was it identified in ClinVar. The variant was identified in dbSNP (ID: rs140943787) and in control databases in 24 of 244486 chromosomes at a frequency of 0.00009817, and was observed at the highest frequency in the African population in 15 of 21646 chromosomes (freq: 0.0006930) (Genome Aggregation Database March 6, 2019, v2.1.1). The p.S1320 residue is conserved in mammals and computational analyses (MUT Assesor, PolyPhen-2, SIFT, MutationTaster, Revel, FATHMM, MetaLR, DANN) provide inconsistent predictions regarding the impact to the protein; this information is not very predictive of pathogenicity. The variant occurs outside of the splicing consensus sequence and in silico or computational prediction software programs (Splice AI exome) do not predict a difference in splicing. In summary, based on the above information the clinical significance of this variant cannot be determined with certainty at this time. This variant is classified as a variant of uncertain significance.

NM_014989.7(RIMS1):c.3959C>T (p.Ser1320Phe)

Gene: RIMS1 (regulating synaptic membrane exocytosis 1; plus strand). Cytogenetic location: 6q13.
Variant type: single nucleotide variant.
Coding change: c.3959C>T on transcript NM_014989.7 (MANE Select); coding-DNA position 3959, C replaced by T.
Protein change: p.Ser1320Phe; replaces serine 1320 with phenylalanine.
Molecular consequence: missense variant. On other transcripts: intron variant (24).
Genome position (GRCh38, 1-based): chr6:72,307,366, C>T. VCF-style: chr6-72307366-C-T. GRCh37 (hg19) VCF-style: chr6-73017069-C-T.
Other names: c.3959C>T (NM_014989.5, NM_014989.4); c.1919C>T, p.Ser640Phe (NM_001168407.2); c.1880C>T, p.Ser627Phe (NM_001350414.2); c.2003C>T, p.Ser668Phe (NM_001350415.2); c.1952C>T, p.Ser651Phe (NM_001350416.2); c.1925C>T, p.Ser642Phe (NM_001350418.2); c.2033C>T, p.Ser678Phe (NM_001350420.2); c.1778C>T, p.Ser593Phe (NM_001350421.2); and 52 more; short protein forms S621F, S623F, S626F, S627F, S640F, S641F, S642F, S643F.
Identifiers: ClinVar variation 1049942 (VCV001049942.11), dbSNP rs140943787, ClinGen allele CA3886402.